The following is an entry in ClinVar:

NM_001371928.1(AHDC1):c.2089G>A (p.Gly697Ser)

Gene: AHDC1 (AT-hook DNA binding motif containing 1; minus strand). Cytogenetic location: 1p36.11.
Variant type: single nucleotide variant.
Coding change: c.2089G>A on transcript NM_001371928.1 (MANE Select); coding-DNA position 2089, G replaced by A.
Protein change: p.Gly697Ser; replaces glycine 697 with serine.
Molecular consequence: missense variant.
Genome position (GRCh38, 1-based): chr1:27,550,027, C>T on the plus strand (G>A on the coding strand, the complement: AHDC1 is on the minus strand). VCF-style: chr1-27550027-C-T. GRCh37 (hg19) VCF-style: chr1-27876538-C-T.
Other names: c.2089G>A, p.Gly697Ser (NM_001029882.3); short protein forms G697S.
Identifiers: ClinVar variation 2100230 (VCV002100230.4), dbSNP rs1158996338, ClinGen allele CA339232706.
Genomic context (GRCh38, chr1:27,550,027, plus strand): 5'-GGCCCGGGCCCCCGACCCCAGCGGCTGCCACGGCCACCACCTTCTTTTTCTTGCCGATGC[C>T]CTCAAAGAAGTCACTGAAGGAGCATCGGGCTGACTTGGCCGCATGGCCCCCACCCCGGCC-3'
Protein context (NP_001358857.1, residues 687-707): ARCSFSDFFE[Gly697Ser]IGKKKKVVAV

ClinVar aggregate classification (germline): Uncertain significance (1 of 4 stars; one submission).

Allele frequency attached by ClinVar (database versions not stated): TOPMed 0.00001; gnomAD 0.00001.
gnomAD v4.1: 1 of 1,600,766 alleles (0.000062%); highest among the groups gnomAD compares: Admixed American, 0.0017%; no homozygotes.

Submission:

Labcorp Genetics (formerly Invitae), Labcorp
Classification: Uncertain significance. Last evaluated: 2025-06-12. Review status: criteria provided, single submitter. Criteria: Invitae Variant Classification Sherloc (09022015). Collection method: clinical testing. Allele origin: germline.
Comment: This sequence change replaces glycine, which is neutral and non-polar, with serine, which is neutral and polar, at codon 697 of the AHDC1 protein (p.Gly697Ser). This variant is not present in population databases (gnomAD no frequency). This missense change has been observed in individuals with clinical features of AHDC1-related disease (internal data). ClinVar contains an entry for this variant (Variation ID: 2100230). An algorithm developed to predict the effect of missense changes on protein structure and function (PolyPhen-2) suggests that this variant is likely to be disruptive. In summary, the available evidence is currently insufficient to determine the role of this variant in disease. Therefore, it has been classified as a Variant of Uncertain Significance.